The following is an entry in ClinVar:

NM_024675.4(PALB2):c.2041A>C (p.Lys681Gln)

Gene: PALB2 (partner and localizer of BRCA2; minus strand). Cytogenetic location: 16p12.2.
Variant type: single nucleotide variant.
Coding change: c.2041A>C on transcript NM_024675.4 (MANE Select); coding-DNA position 2041, A replaced by C.
Protein change: p.Lys681Gln; replaces lysine 681 with glutamine.
Molecular consequence: missense variant. On other transcripts: intron variant (1).
Genome position (GRCh38, 1-based): chr16:23,630,113, T>G on the plus strand (A>C on the coding strand, the complement: PALB2 is on the minus strand). VCF-style: chr16-23630113-T-G. GRCh37 (hg19) VCF-style: chr16-23641434-T-G.
Other names: c.1981A>C, p.Lys661Gln (NM_001407296.1); c.2041A>C, p.Lys681Gln (NM_001407297.1, NM_001407298.1, NM_001407299.1 and 3 more transcripts); c.1156A>C, p.Lys386Gln (NM_001407304.1, NM_001407305.1, NM_001407306.1 and 5 more transcripts); c.253A>C, p.Lys85Gln (NM_001407312.1, NM_001407313.1); c.49-838A>C (NM_001407314.1); short protein forms K386Q, K681Q, K85Q, K661Q.
Identifiers: ClinVar variation 2698540 (VCV002698540.3), dbSNP rs2142382651, ClinGen allele CA395126899.

ClinVar aggregate classification (germline): Uncertain significance (1 of 4 stars; one submission).

Conditions:
Familial cancer of breast. Also called: hereditary breast carcinoma; Hereditary breast cancer; BREAST CANCER, FAMILIAL. Identifiers: Orphanet 227535, MedGen C0346153, MONDO:0016419, OMIM 114480. Disease mechanism: loss of function.

Allele frequency attached by ClinVar (database versions not stated): gnomAD exomes below 0.00001.
gnomAD v4.1: 1 of 1,614,176 alleles (0.000062%); highest among the groups gnomAD compares: Non-Finnish European, 0.000085%; no homozygotes.

Submission:

Labcorp Genetics (formerly Invitae), Labcorp
Classification: Uncertain significance for Familial cancer of breast. Last evaluated: 2024-12-02. Review status: criteria provided, single submitter. Criteria: Invitae Variant Classification Sherloc (09022015). Collection method: clinical testing. Allele origin: germline.
Comment: This sequence change replaces lysine, which is basic and polar, with glutamine, which is neutral and polar, at codon 681 of the PALB2 protein (p.Lys681Gln). This variant is not present in population databases (gnomAD no frequency). This variant has not been reported in the literature in individuals affected with PALB2-related conditions. ClinVar contains an entry for this variant (Variation ID: 2698540). Invitae Evidence Modeling of protein sequence and biophysical properties (such as structural, functional, and spatial information, amino acid conservation, physicochemical variation, residue mobility, and thermodynamic stability) indicates that this missense variant is not expected to disrupt PALB2 protein function with a negative predictive value of 80%. In summary, the available evidence is currently insufficient to determine the role of this variant in disease. Therefore, it has been classified as a Variant of Uncertain Significance.